The following is an entry in ClinVar:

ClinVar aggregate classification (germline): Uncertain significance (1 of 4 stars; one submission).

Conditions:
Cone-rod dystrophy 6 (CORD6). Also called: Cone dystrophy progressive; RETINAL CONE DYSTROPHY 2. Identifiers: Orphanet 1872, MedGen C1866293, MONDO:0011143, OMIM 601777.
Leber congenital amaurosis 1 (LCA1). Also called: AMAUROSIS CONGENITA OF LEBER I; RETINAL BLINDNESS, CONGENITAL; Congenital absence of the rods and cones; Leber's congenital tapetoretinal degeneration; Leber's congenital tapetoretinal dysplasia. Identifiers: Orphanet 65, MedGen C2931258, MONDO:0008764, OMIM 204000.

Allele frequency attached by ClinVar (database versions not stated): gnomAD exomes below 0.00001; TOPMed 0.00001.
gnomAD v4.1: 4 of 1,584,718 alleles (0.00025%); highest among the groups gnomAD compares: South Asian, 0.0023%; no homozygotes.

Submission:

Labcorp Genetics (formerly Invitae), Labcorp
Classification: Uncertain significance for Leber congenital amaurosis 1; Cone-rod dystrophy 6. Last evaluated: 2022-10-11. Review status: criteria provided, single submitter. Criteria: Invitae Variant Classification Sherloc (09022015). Collection method: clinical testing. Allele origin: germline.
Comment: This sequence change replaces glycine, which is neutral and non-polar, with aspartic acid, which is acidic and polar, at codon 1047 of the GUCY2D protein (p.Gly1047Asp). This variant is not present in population databases (gnomAD no frequency). This variant has not been reported in the literature in individuals affected with GUCY2D-related conditions. Algorithms developed to predict the effect of missense changes on protein structure and function are either unavailable or do not agree on the potential impact of this missense change (SIFT: "Deleterious"; PolyPhen-2: "Probably Damaging"; Align-GVGD: "Class C0"). In summary, the available evidence is currently insufficient to determine the role of this variant in disease. Therefore, it has been classified as a Variant of Uncertain Significance.

NM_000180.4(GUCY2D):c.3140G>A (p.Gly1047Asp)

Gene: GUCY2D (guanylate cyclase 2D, retinal; plus strand). Cytogenetic location: 17p13.1.
Variant type: single nucleotide variant.
Coding change: c.3140G>A on transcript NM_000180.4 (MANE Select); coding-DNA position 3140, G replaced by A.
Protein change: p.Gly1047Asp; replaces glycine 1047 with aspartic acid.
Molecular consequence: missense variant.
Genome position (GRCh38, 1-based): chr17:8,016,206, G>A. VCF-style: chr17-8016206-G-A. GRCh37 (hg19) VCF-style: chr17-7919524-G-A.
Other names: short protein forms G1047D.
Identifiers: ClinVar variation 1903365 (VCV001903365.2), dbSNP rs1212209285, ClinGen allele CA397955930.